The following is an entry in ClinVar:

ClinVar aggregate classification (germline): Pathogenic. Review status: criteria provided, multiple submitters, no conflicts (2 of 4 stars). 2 submissions from 2 submitters: Pathogenic (2). Last evaluated 2024-03-01.

Conditions:
Tumor predisposition syndrome 3 (TPDS3). Also called: Glioma susceptibility 9; LONG TELOMERE SYNDROME, POT1-RELATED; POT1 Tumor Predisposition; Melanoma, cutaneous malignant, susceptibility to, 10. Identifiers: Orphanet 618, MedGen C4014476, MONDO:0014368, OMIM 615848.
Hereditary cancer-predisposing syndrome. Also called: Neoplastic Syndromes, Hereditary; Tumor predisposition; Hereditary Cancer Syndrome; Hereditary neoplastic syndrome. Identifiers: Orphanet 140162, MedGen C0027672, MeSH D009386, MONDO:0015356.

Submissions (2):

Ambry Genetics
Classification: Pathogenic for Hereditary cancer-predisposing syndrome. Last evaluated: 2024-03-01. Review status: criteria provided, single submitter. Criteria: Ambry Variant Classification Scheme 2023. Collection method: clinical testing. Allele origin: germline.
Comment: The c.1332delT pathogenic mutation, located in coding exon 10 of the POT1 gene, results from a deletion of one nucleotide at nucleotide position 1332, causing a translational frameshift with a predicted alternate stop codon (p.L445Sfs*10). This variant is considered to be rare based on population cohorts in the Genome Aggregation Database (gnomAD). This alteration is expected to result in loss of function by premature protein truncation or nonsense-mediated mRNA decay. As such, this alteration is interpreted as a disease-causing mutation.

Labcorp Genetics (formerly Invitae), Labcorp
Classification: Pathogenic for Tumor predisposition syndrome 3. Last evaluated: 2023-11-13. Review status: criteria provided, single submitter. Criteria: Invitae Variant Classification Sherloc (09022015). Collection method: clinical testing. Allele origin: germline.
Comment: This sequence change creates a premature translational stop signal (p.Leu445Serfs*10) in the POT1 gene. It is expected to result in an absent or disrupted protein product. Loss-of-function variants in POT1 are known to be pathogenic (PMID: 32155570). This variant is not present in population databases (gnomAD no frequency). This variant has not been reported in the literature in individuals affected with POT1-related conditions. For these reasons, this variant has been classified as Pathogenic.

Literature cited by the submitters: PubMed 32155570 (cited by Labcorp Genetics (formerly Invitae), Labcorp).

NM_015450.3(POT1):c.1332del (p.Leu445fs)

Gene: POT1 (protection of telomeres 1; minus strand). Cytogenetic location: 7q31.33.
Variant type: Deletion.
Coding change: c.1332del on transcript NM_015450.3 (MANE Select); coding-DNA position 1332, one base deleted (T; older notation c.1332delT).
Protein change: p.Leu445fs; shifts the reading frame from leucine 445.
Molecular consequence: frameshift variant. On other transcripts: non-coding transcript variant (3).
Genome position (GRCh38, 1-based): chr7:124,841,010, A deleted on the plus strand (T on the coding strand, the reverse complement: POT1 is on the minus strand); the first of 2 consecutive A bases (chr7:124,841,010-124,841,011); deleting either gives the same sequence. VCF-style (leftmost placement, unchanged base first): chr7-124841009-GA-G. GRCh37 (hg19) VCF-style: chr7-124481063-GA-G.
Other names: c.1332delT (NM_015450.2); c.939del, p.Leu314fs (NM_001042594.2); short protein forms L314fs, L445fs.
Identifiers: ClinVar variation 2695504 (VCV002695504.4), dbSNP rs2485394271, ClinGen allele CA2697557621.
Genomic context (GRCh38, chr7:124,841,009, plus strand): 5'-AAAACAGTGACTTAAATATCTTACCTTCTATCAAAAGTAGACATTCATTTGAAAGCGGGA[GA>G]ATACCATTATTTTTCACAAAATGAACTGCTACTTTTCGTCCTTTTTGATTTTTAGTGGTC-3'